The following is an entry in ClinVar:

ClinVar aggregate classification (germline): Uncertain significance (1 of 4 stars; one submission).

Submission:

Women's Health and Genetics/Laboratory Corporation of America, LabCorp
Classification: Uncertain significance. Last evaluated: 2025-07-11. Review status: criteria provided, single submitter. Criteria: LabCorp Variant Classification Summary - May 2015. Collection method: clinical testing. Allele origin: germline.
Comment: Variant summary: PTDSS1 c.600G>A (p.Glu200Glu) alters a conserved nucleotide located close to a canonical splice site and therefore could affect mRNA splicing, leading to a significantly altered protein sequence. Several computational tools predict a significant impact on normal splicing: Four predict the variant weakens a 5' donor site. However, these predictions have yet to be confirmed by functional studies. The variant was absent in 249846 control chromosomes (gnomAD). The available data on variant occurrences in the general population are insufficient to allow any conclusion about variant significance. To our knowledge, no occurrence of c.600G>A in individuals affected with Lenz-Majewski Hyperostosis Syndrome and no experimental evidence demonstrating its impact on protein function have been reported. No submitters have cited clinical-significance assessments for this variant to ClinVar. Based on the evidence outlined above, the variant was classified as uncertain significance.

NM_014754.3(PTDSS1):c.600G>A (p.Glu200=)

Gene: PTDSS1 (phosphatidylserine synthase 1; plus strand). Cytogenetic location: 8q22.1.
Variant type: single nucleotide variant.
Coding change: c.600G>A on transcript NM_014754.3 (MANE Select); coding-DNA position 600, G replaced by A.
Protein change: p.Glu200=; no amino-acid change (glutamic acid 200 retained).
Molecular consequence: synonymous variant.
Genome position (GRCh38, 1-based): chr8:96,295,256, G>A. VCF-style: chr8-96295256-G-A. GRCh37 (hg19) VCF-style: chr8-97307484-G-A.
Other names: c.162G>A, p.Glu54= (NM_001290225.2).
Identifiers: ClinVar variation 4525972 (VCV004525972.1).